The following is an entry in ClinVar:

ClinVar aggregate classification (germline): Uncertain significance (1 of 4 stars; one submission).

Submission:

Labcorp Genetics (formerly Invitae), Labcorp
Classification: Uncertain significance. Last evaluated: 2022-07-05. Review status: criteria provided, single submitter. Criteria: Invitae Variant Classification Sherloc (09022015). Collection method: clinical testing. Allele origin: germline.
Comment: ClinVar contains an entry for this variant (Variation ID: 1348602). This variant has not been reported in the literature in individuals affected with ABCC6-related conditions. This variant is not present in population databases (gnomAD no frequency). This sequence change falls in intron 29 of the ABCC6 gene. It does not directly change the encoded amino acid sequence of the ABCC6 protein. It affects a nucleotide within the consensus splice site. In summary, the available evidence is currently insufficient to determine the role of this variant in disease. Therefore, it has been classified as a Variant of Uncertain Significance. Variants that disrupt the consensus splice site are a relatively common cause of aberrant splicing (PMID: 17576681, 9536098). Algorithms developed to predict the effect of sequence changes on RNA splicing suggest that this variant is not likely to affect RNA splicing.

Literature cited by the submitters: PubMed 17576681; PubMed 9536098.

NM_001171.6(ABCC6):c.4208+6G>A

Gene: ABCC6 (ATP binding cassette subfamily C member 6; minus strand). Cytogenetic location: 16p13.11.
Variant type: single nucleotide variant.
Coding change: c.4208+6G>A on transcript NM_001171.6 (MANE Select); 6 bases into the intron after coding-DNA position 4208, G replaced by A.
Molecular consequence: intron variant.
Genome position (GRCh38, 1-based): chr16:16,154,622, C>T on the plus strand (G>A on the coding strand, the complement: ABCC6 is on the minus strand). VCF-style: chr16-16154622-C-T. GRCh37 (hg19) VCF-style: chr16-16248479-C-T.
Other names: c.3866+6G>A (NM_001351800.1).
Identifiers: ClinVar variation 1348602 (VCV001348602.6), dbSNP rs2152211817, ClinGen allele CA2573151854.
Genomic context (GRCh38, chr16:16,154,622, plus strand): 5'-TGGGGAGGGCATGGCCATCCCCTCCTCTCCCACCTGCAGGTCCCAGCCATGGTGGGACGA[C>T]CATACCTCAGGTCCTCGCCTCGGTCAGCACACTTGTACTGCAGCTGGCCGGGCAGGCTGG-3'